The following is an entry in ClinVar:

ClinVar aggregate classification (germline): Uncertain significance (1 of 4 stars; one submission).

Allele frequency attached by ClinVar (database versions not stated): gnomAD exomes below 0.00001.

Submission:

ARUP Laboratories, Molecular Genetics and Genomics, ARUP Laboratories
Classification: Uncertain significance. Last evaluated: 2021-10-05. Review status: criteria provided, single submitter. Criteria: ARUP Molecular Germline Variant Investigation Process 2021. Collection method: clinical testing. Allele origin: germline.
Comment: The KCNH2 c.2033T>G; p.Leu678Arg variant, to our knowledge, is not reported in the medical literature or gene specific databases. This variant is also absent from the Genome Aggregation Database, indicating it is not a common polymorphism. The leucine at codon 678 is highly conserved, and computational analyses predict that this variant is deleterious (REVEL: 0.85). However, given the lack of clinical and functional data, the significance of the p.Leu678Arg variant is uncertain at this time.

NM_000238.4(KCNH2):c.2033T>G (p.Leu678Arg)

Gene: KCNH2 (potassium voltage-gated channel subfamily H member 2; minus strand). Cytogenetic location: 7q36.1.
Variant type: single nucleotide variant.
Coding change: c.2033T>G on transcript NM_000238.4 (MANE Select); coding-DNA position 2033, T replaced by G.
Protein change: p.Leu678Arg; replaces leucine 678 with arginine.
Molecular consequence: missense variant.
Genome position (GRCh38, 1-based): chr7:150,951,033, A>C on the plus strand (T>G on the coding strand, the complement: KCNH2 is on the minus strand). VCF-style: chr7-150951033-A-C. GRCh37 (hg19) VCF-style: chr7-150648121-A-C.
Other names: c.1013T>G, p.Leu338Arg (NM_001204798.2, NM_172057.3); c.1745T>G, p.Leu582Arg (NM_001406753.1, NM_001406756.1); c.1856T>G, p.Leu619Arg (NM_001406755.1); c.1733T>G, p.Leu578Arg (NM_001406757.1); c.2033T>G, p.Leu678Arg (NM_172056.3); short protein forms L338R, L678R, L582R, L619R, L578R.
Identifiers: ClinVar variation 1330843 (VCV001330843.7), dbSNP rs199472981, ClinGen allele CA369857613.